The following is an entry in ClinVar:

ClinVar aggregate classification (germline): Conflicting classifications of pathogenicity. Review status: criteria provided, conflicting classifications (1 of 4 stars). 3 submissions from 3 submitters: Uncertain significance (2); Likely benign (1). Last evaluated 2024-04-16.

Conditions:
Pityriasis rubra pilaris (PRP). Also called: Pityriasis rubra pilaris--familial type. Identifiers: Orphanet 2897, MedGen C0032027, MONDO:0100017, OMIM 173200, MONDO:0008251.
Psoriasis 2. Identifiers: MedGen C1864497, MONDO:0011269, OMIM 602723.
Inborn genetic diseases. Identifiers: MedGen C0950123, MeSH D030342.

Allele frequency attached by ClinVar (database versions not stated): ExAC 0.00002; 1000 Genomes Project 30x 0.00016; 1000 Genomes Project 0.00020.
gnomAD v4.1: 16 of 1,598,572 alleles (0.001%); highest among the groups gnomAD compares: South Asian, 0.0078%; no homozygotes.

Submissions (3):

Labcorp Genetics (formerly Invitae), Labcorp
Classification: Uncertain significance for Pityriasis rubra pilaris; Psoriasis 2. Last evaluated: 2024-04-16. Review status: criteria provided, single submitter. Criteria: Invitae Variant Classification Sherloc (09022015). Collection method: clinical testing. Allele origin: germline.
Comment: This sequence change replaces glycine, which is neutral and non-polar, with serine, which is neutral and polar, at codon 554 of the CARD14 protein (p.Gly554Ser). This variant is present in population databases (rs567315820, gnomAD 0.01%). This variant has not been reported in the literature in individuals affected with CARD14-related conditions. ClinVar contains an entry for this variant (Variation ID: 1163113). Algorithms developed to predict the effect of missense changes on protein structure and function output the following: SIFT: "Not Available"; PolyPhen-2: "Benign"; Align-GVGD: "Not Available". The serine amino acid residue is found in multiple mammalian species, which suggests that this missense change does not adversely affect protein function. Algorithms developed to predict the effect of sequence changes on RNA splicing suggest that this variant may create or strengthen a splice site. In summary, the available evidence is currently insufficient to determine the role of this variant in disease. Therefore, it has been classified as a Variant of Uncertain Significance.

Ambry Genetics
Classification: Likely benign for Inborn genetic diseases. Last evaluated: 2023-05-23. Review status: criteria provided, single submitter. Criteria: Ambry Variant Classification Scheme 2023. Collection method: clinical testing. Allele origin: germline.

Mayo Clinic Laboratories, Mayo Clinic
Classification: Uncertain significance. Last evaluated: 2020-05-19. Review status: criteria provided, single submitter. Criteria: ACMG Guidelines, 2015. Collection method: clinical testing. Allele origin: germline. Observed: 1 variant allele.

NM_001366385.1(CARD14):c.1660G>A (p.Gly554Ser)

Gene: CARD14 (caspase recruitment domain family member 14; plus strand). Cytogenetic location: 17q25.3.
Variant type: single nucleotide variant.
Coding change: c.1660G>A on transcript NM_001366385.1 (MANE Select); coding-DNA position 1660, G replaced by A.
Protein change: p.Gly554Ser; replaces glycine 554 with serine.
Molecular consequence: missense variant. On other transcripts: non-coding transcript variant (1).
Genome position (GRCh38, 1-based): chr17:80,198,400, G>A. VCF-style: chr17-80198400-G-A. GRCh37 (hg19) VCF-style: chr17-78172199-G-A.
Other names: c.1660G>A (NM_024110.3); c.1660G>A, p.Gly554Ser (NM_001257970.1, NM_024110.4); c.949G>A, p.Gly317Ser (NM_052819.3); short protein forms G317S, G554S.
Identifiers: ClinVar variation 1163113 (VCV001163113.12), dbSNP rs567315820, ClinGen allele CA8816940.